The following is an entry in ClinVar:

NM_020975.6(RET):c.3297G>T (p.Trp1099Cys)

Gene: RET (ret proto-oncogene; plus strand). Cytogenetic location: 10q11.21.
Variant type: single nucleotide variant.
Coding change: c.3297G>T on transcript NM_020975.6 (MANE Select); coding-DNA position 3297, G replaced by T.
Protein change: p.Trp1099Cys; replaces tryptophan 1099 with cysteine.
Molecular consequence: missense variant.
Genome position (GRCh38, 1-based): chr10:43,128,221, G>T. VCF-style: chr10-43128221-G-T. GRCh37 (hg19) VCF-style: chr10-43623669-G-T.
Other names: c.3297G>T, p.Trp1099Cys (NM_000323.2, NM_001406743.1); c.*1467G>T (NM_001355216.2, NM_001406764.1, NM_001406765.1 and 15 more transcripts); c.3237G>T, p.Trp1079Cys (NM_001406759.1, NM_001406760.1); c.3168G>T, p.Trp1056Cys (NM_001406761.1, NM_001406762.1); c.3162G>T, p.Trp1054Cys (NM_001406763.1); c.3009G>T, p.Trp1003Cys (NM_001406766.1, NM_001406767.1); c.2901G>T, p.Trp967Cys (NM_001406769.1); c.2859G>T, p.Trp953Cys (NM_001406771.1); and 7 more; short protein forms W1056C, W1099C, W757C, W967C, W1003C, W1079C, W704C, W800C.
Identifiers: ClinVar variation 1729901 (VCV001729901.2), dbSNP rs2133049500, ClinGen allele CA376559194.

ClinVar aggregate classification (germline): Uncertain significance (1 of 4 stars; one submission).

Conditions:
Hereditary cancer-predisposing syndrome. Also called: Neoplastic Syndromes, Hereditary; Tumor predisposition; Hereditary Cancer Syndrome; Hereditary neoplastic syndrome. Identifiers: Orphanet 140162, MedGen C0027672, MeSH D009386, MONDO:0015356.

Submission:

Ambry Genetics
Classification: Uncertain significance for Hereditary cancer-predisposing syndrome. Last evaluated: 2020-09-10. Review status: criteria provided, single submitter. Criteria: Ambry Variant Classification Scheme 2023. Collection method: clinical testing. Allele origin: germline.
Comment: The p.W1099C variant (also known as c.3297G>T), located in coding exon 20 of the RET gene, results from a G to T substitution at nucleotide position 3297. The tryptophan at codon 1099 is replaced by cysteine, an amino acid with highly dissimilar properties. This amino acid position is highly conserved in available vertebrate species. In addition, this alteration is predicted to be deleterious by in silico analysis. Since supporting evidence is limited at this time, the clinical significance of this alteration remains unclear.